The following is an entry in ClinVar:

NM_032485.6(MCM8):c.1305C>A (p.Tyr435Ter)

Gene: MCM8 (minichromosome maintenance 8 homologous recombination repair factor; plus strand). Cytogenetic location: 20p12.3.
Variant type: single nucleotide variant.
Coding change: c.1305C>A on transcript NM_032485.6 (MANE Select); coding-DNA position 1305, C replaced by A.
Protein change: p.Tyr435Ter; replaces tyrosine 435 with a stop codon.
Molecular consequence: nonsense. On other transcripts: intron variant (1).
Genome position (GRCh38, 1-based): chr20:5,973,106, C>A. VCF-style: chr20-5973106-C-A. GRCh37 (hg19) VCF-style: chr20-5953752-C-A.
Other names: c.1305C>A, p.Tyr435Ter (NM_001281520.2); c.1425C>A, p.Tyr475Ter (NM_001281521.2); c.1257C>A, p.Tyr419Ter (NM_182802.3); c.1254+1069C>A (NM_001281522.2); short protein forms Y419*, Y435*, Y475*.
Identifiers: ClinVar variation 4852778 (VCV004852778.1).
Genomic context (GRCh38, chr20:5,973,106, plus strand): 5'-CGCACTTGAGCTTGTTAAAGCAGGTTTGGCATTAGCACTCTTTGGAGGAAGCCAGAAATA[C>A]GCAGATGACAAAAACAGAATTCCAATTCGGGGAGACCCCCACATCCTTGTTGTTGGAGAT-3'

ClinVar aggregate classification (germline): Likely pathogenic (1 of 4 stars; one submission).

Conditions:
Premature ovarian failure 10 (POF10). Identifiers: MedGen C4225402, MONDO:0044776, OMIM 612885.

Submission:

Diagnostics Services (NGS), CSIR - Centre For Cellular And Molecular Biology
Classification: Likely pathogenic for Premature ovarian failure 10. Last evaluated: 2026-04-17. Review status: criteria provided, single submitter. Criteria: ACMG Guidelines, 2015. Collection method: clinical testing. Allele origin: germline. Observed: 1 variant allele, 1 homozygote.
Comment: The c.1305C>A variant is not present in publicly available population databases like 1000 Genomes, EVS, gnomAD, Indian Exome Database or our internal database. This variant has neither been published in literature with MCM8-related conditions nor reported to the clinical databases like Human Gene Mutation Database (HGMD), ClinVar or OMIM, in any affected individuals. In-silico pathogenicity prediction programs like MutationTaster2021, CADD, Franklin, Varsome, InterVar etc predicted this variant to be likely deleterious. This variant creates a premature translational stop signal at the 435th amino acid position of the wild-type transcript that may either result in translation of a truncated protein or cause nonsense mediated decay of the mRNA.